The following is an entry in ClinVar:

NM_001206927.2(DNAH8):c.11342C>A (p.Pro3781Gln)

Genes: DNAH8 (dynein axonemal heavy chain 8; plus strand), DNAH8-AS1 (DNAH8 antisense RNA 1; minus strand). Cytogenetic location: 6p21.2.
Variant type: single nucleotide variant.
Coding change: c.11342C>A on transcript NM_001206927.2 (MANE Select); coding-DNA position 11342, C replaced by A.
Protein change: p.Pro3781Gln; replaces proline 3781 with glutamine.
Molecular consequence: missense variant.
Genome position (GRCh38, 1-based): chr6:38,931,878, C>A. VCF-style: chr6-38931878-C-A. GRCh37 (hg19) VCF-style: chr6-38899654-C-A.
Other names: c.10691C>A, p.Pro3564Gln (NM_001371.4); short protein forms P3781Q, P3564Q.
Identifiers: ClinVar variation 3718517 (VCV003718517.2).

ClinVar aggregate classification (germline): Uncertain significance (1 of 4 stars; one submission).

Conditions:
Primary ciliary dyskinesia. Also called: Ciliary dyskinesia. Identifiers: Orphanet 244, MedGen C0008780, MONDO:0016575, HP:0012265.

Submission:

Labcorp Genetics (formerly Invitae), Labcorp
Classification: Uncertain significance for Primary ciliary dyskinesia. Last evaluated: 2025-01-02. Review status: criteria provided, single submitter. Criteria: Invitae Variant Classification Sherloc (09022015). Collection method: clinical testing. Allele origin: germline.
Comment: This sequence change replaces proline, which is neutral and non-polar, with glutamine, which is neutral and polar, at codon 3781 of the DNAH8 protein (p.Pro3781Gln). This variant is not present in population databases (gnomAD no frequency). This variant has not been reported in the literature in individuals affected with DNAH8-related conditions. Invitae Evidence Modeling of protein sequence and biophysical properties (such as structural, functional, and spatial information, amino acid conservation, physicochemical variation, residue mobility, and thermodynamic stability) indicates that this missense variant is expected to disrupt DNAH8 protein function with a positive predictive value of 80%. In summary, the available evidence is currently insufficient to determine the role of this variant in disease. Therefore, it has been classified as a Variant of Uncertain Significance.